The following is an entry in ClinVar:

ClinVar aggregate classification (germline): Conflicting classifications of pathogenicity. Review status: criteria provided, conflicting classifications (1 of 4 stars). 4 submissions from 4 submitters: Uncertain significance (3); Likely benign (1). Last evaluated 2026-08-28.

Conditions:
Alagille syndrome due to a JAG1 point mutation. Also called: HEPATIC DUCTULAR HYPOPLASIA, SYNDROMATIC; JAG1-Related Alagille Syndrome; Alagille Syndrome 1. Identifiers: Orphanet 261619, Orphanet 52, MedGen C1956125, MONDO:0016862, OMIM 118450.
JAG1-related disorder. Also called: JAG1-related disorders; JAG1-related condition.
Cardiovascular phenotype. Identifiers: MedGen CN230736.

Allele frequency attached by ClinVar (database versions not stated): gnomAD exomes 0.00004; ExAC 0.00005; ESP Exome Variant Server 0.00008; gnomAD 0.00011 and 0.00012; TOPMed 0.00012.

Submissions (4):

PreventionGenetics, part of Exact Sciences
Classification: Uncertain significance for JAG1-related condition. Last evaluated: 2026-08-28. Review status: criteria provided, single submitter. Criteria: ACMG Guidelines, 2015. Collection method: clinical testing. Allele origin: germline.
Comment: The JAG1 c.1706C>T variant is predicted to result in the amino acid substitution p.Thr569Met. To our knowledge, this variant has not been reported in the literature. This variant is reported in 0.0098% of alleles in individuals of South Asian descent in gnomAD, which may be too frequent to be a primary cause of disease. Although we suspect that this variant may be benign, at this time, the clinical significance of this variant is uncertain due to the absence of conclusive functional and genetic evidence.

Labcorp Genetics (formerly Invitae), Labcorp
Classification: Likely benign for Alagille syndrome due to a JAG1 point mutation. Last evaluated: 2025-12-13. Review status: criteria provided, single submitter. Criteria: Invitae Variant Classification Sherloc (09022015). Collection method: clinical testing. Allele origin: germline.

Ambry Genetics
Classification: Uncertain significance for Cardiovascular phenotype. Last evaluated: 2021-12-06. Review status: criteria provided, single submitter. Criteria: Ambry Variant Classification Scheme 2023. Collection method: clinical testing. Allele origin: germline.

Baylor Genetics
Classification: Uncertain significance for Alagille syndrome due to a JAG1 point mutation. Last evaluated: 2018-01-18. Review status: criteria provided, single submitter. Criteria: ACMG Guidelines, 2015. Collection method: clinical testing. Allele origin: paternal. Affected: yes.
Comment: This variant was determined to be of uncertain significance according to ACMG Guidelines, 2015 [PMID:25741868].

NM_000214.3(JAG1):c.1706C>T (p.Thr569Met)

Gene: JAG1 (jagged canonical Notch ligand 1; minus strand). Cytogenetic location: 20p12.2.
Variant type: single nucleotide variant.
Coding change: c.1706C>T on transcript NM_000214.3 (MANE Select); coding-DNA position 1706, C replaced by T.
Protein change: p.Thr569Met; replaces threonine 569 with methionine.
Molecular consequence: missense variant.
Genome position (GRCh38, 1-based): chr20:10,647,974, G>A on the plus strand (C>T on the coding strand, the complement: JAG1 is on the minus strand). VCF-style: chr20-10647974-G-A. GRCh37 (hg19) VCF-style: chr20-10628622-G-A.
Other names: short protein forms T569M.
Identifiers: ClinVar variation 1004286 (VCV001004286.10), dbSNP rs368438076, ClinGen allele CA9764789.
Genomic context (GRCh38, chr20:10,647,974, plus strand): 5'-AAGGAGCAAGTCTGGAGACAGCCAGGTCCCGGGAGAAGGGAGGTACCTTCACAGGGGGTC[G>A]TGCGGCAGTGGTCTTTCAGGTGTGAGCAGTTCTTGCCCTCATAGTCCTCGGGGCACTTGC-3'
Protein context (NP_000205.1, residues 559-579): NCSHLKDHCR[Thr569Met]TPCEVIDSCT